The following is an entry in ClinVar:

ClinVar aggregate classification (germline): Uncertain significance (1 of 4 stars; one submission).

Submission:

Labcorp Genetics (formerly Invitae), Labcorp
Classification: Uncertain significance. Last evaluated: 2025-12-18. Review status: criteria provided, single submitter. Criteria: Invitae Variant Classification Sherloc (09022015). Collection method: clinical testing. Allele origin: germline.
Comment: This sequence change replaces valine, which is neutral and non-polar, with isoleucine, which is neutral and non-polar, at codon 52 of the IKZF1 protein (p.Val52Ile). This variant is not present in population databases (gnomAD no frequency). This variant has not been reported in the literature in individuals affected with IKZF1-related conditions. An algorithm developed to predict the effect of missense changes on protein structure and function (PolyPhen-2) suggests that this variant is likely to be tolerated. In summary, the available evidence is currently insufficient to determine the role of this variant in disease. Therefore, it has been classified as a Variant of Uncertain Significance.

NM_006060.6(IKZF1):c.154G>A (p.Val52Ile)

Gene: IKZF1 (IKAROS family zinc finger 1; plus strand). Cytogenetic location: 7p12.2.
Variant type: single nucleotide variant.
Coding change: c.154G>A on transcript NM_006060.6 (MANE Select); coding-DNA position 154, G replaced by A.
Protein change: p.Val52Ile; replaces valine 52 with isoleucine.
Molecular consequence: missense variant.
Genome position (GRCh38, 1-based): chr7:50,327,751, G>A. VCF-style: chr7-50327751-G-A. GRCh37 (hg19) VCF-style: chr7-50367347-G-A.
Other names: c.154G>A, p.Val52Ile (NM_001220765.3, NM_001220767.2, NM_001220768.2 and 14 more transcripts); short protein forms V52I.
Identifiers: ClinVar variation 4733573 (VCV004733573.1).